The following is an entry in ClinVar:

NM_001166114.2(PNPLA6):c.1282G>A (p.Asp428Asn)

Gene: PNPLA6 (patatin like domain 6, lysophospholipase; plus strand). Cytogenetic location: 19p13.2.
Variant type: single nucleotide variant.
Coding change: c.1282G>A on transcript NM_001166114.2 (MANE Select); coding-DNA position 1282, G replaced by A.
Protein change: p.Asp428Asn; replaces aspartic acid 428 with asparagine.
Molecular consequence: missense variant.
Genome position (GRCh38, 1-based): chr19:7,542,590, G>A. VCF-style: chr19-7542590-G-A. GRCh37 (hg19) VCF-style: chr19-7607476-G-A.
Other names: c.1309G>A, p.Asp437Asn (NM_001166111.2); c.1165G>A, p.Asp389Asn (NM_001166112.2, NM_001166113.1, NM_006702.5); c.1165G>A (NM_006702.4); short protein forms D389N, D428N, D437N.
Identifiers: ClinVar variation 2191034 (VCV002191034.5), dbSNP rs760544239, ClinGen allele CA9139755.
Genomic context (GRCh38, chr19:7,542,590, plus strand): 5'-TGGTTTTTGTTGCCCCCCTGCCTGCCTGCAGGCTTGCAGGGTGGCCCCCGCTCCGACTTC[G>A]ACATGGCCTATGAGCGTGGCCGGATCTCCGTGTCCCTGCAGGAAGAGGCCTCCGGGGGGT-3'
Protein context (NP_001159586.1, residues 418-438): GLQGGPRSDF[Asp428Asn]MAYERGRISV

ClinVar aggregate classification (germline): Uncertain significance. Review status: criteria provided, multiple submitters, no conflicts (2 of 4 stars). 2 submissions from 2 submitters: Uncertain significance (2). Last evaluated 2024-10-14.

Conditions:
Inborn genetic diseases. Identifiers: MedGen C0950123, MeSH D030342.
Hereditary spastic paraplegia 39 (SPG39). Also called: Spastic Paraplegia Type 39 (SPG39); SPASTIC PARAPLEGIA 39, AUTOSOMAL RECESSIVE. Identifiers: Orphanet 139480, MedGen C2677586, MONDO:0012787, OMIM 612020.

Allele frequency attached by ClinVar (database versions not stated): ExAC 0.00001; gnomAD 0.00001; gnomAD exomes 0.00001; TOPMed 0.00001.
gnomAD v4.1: 13 of 1,613,594 alleles (0.00081%); highest among the groups gnomAD compares: African/African-American, 0.0053%; no homozygotes.

Submissions (2):

Labcorp Genetics (formerly Invitae), Labcorp
Classification: Uncertain significance for Hereditary spastic paraplegia 39. Last evaluated: 2024-10-14. Review status: criteria provided, single submitter. Criteria: Invitae Variant Classification Sherloc (09022015). Collection method: clinical testing. Allele origin: germline.
Comment: This sequence change replaces aspartic acid, which is acidic and polar, with asparagine, which is neutral and polar, at codon 389 of the PNPLA6 protein (p.Asp389Asn). This variant is present in population databases (rs760544239, gnomAD 0.02%). This variant has not been reported in the literature in individuals affected with PNPLA6-related conditions. ClinVar contains an entry for this variant (Variation ID: 2191034). Invitae Evidence Modeling of protein sequence and biophysical properties (such as structural, functional, and spatial information, amino acid conservation, physicochemical variation, residue mobility, and thermodynamic stability) indicates that this missense variant is not expected to disrupt PNPLA6 protein function with a negative predictive value of 80%. In summary, the available evidence is currently insufficient to determine the role of this variant in disease. Therefore, it has been classified as a Variant of Uncertain Significance.

Ambry Genetics
Classification: Uncertain significance for Inborn genetic diseases. Last evaluated: 2024-05-20. Review status: criteria provided, single submitter. Criteria: Ambry Variant Classification Scheme 2023. Collection method: clinical testing. Allele origin: germline.